The following is an entry in ClinVar:

NM_031935.3(HMCN1):c.12469A>G (p.Ser4157Gly)

Gene: HMCN1 (hemicentin 1; plus strand). Cytogenetic location: 1q31.1.
Variant type: single nucleotide variant.
Coding change: c.12469A>G on transcript NM_031935.3 (MANE Select); coding-DNA position 12469, A replaced by G.
Protein change: p.Ser4157Gly; replaces serine 4157 with glycine.
Molecular consequence: missense variant.
Genome position (GRCh38, 1-based): chr1:186,123,190, A>G. VCF-style: chr1-186123190-A-G. GRCh37 (hg19) VCF-style: chr1-186092322-A-G.
Other names: short protein forms S4157G.
Identifiers: ClinVar variation 3858095 (VCV003858095.2).

ClinVar aggregate classification (germline): Uncertain significance. Review status: criteria provided, multiple submitters, no conflicts (2 of 4 stars). 2 submissions from 2 submitters: Uncertain significance (2). Last evaluated 2025-06-22.

gnomAD v4.1: 9 of 1,613,872 alleles (0.00056%); highest among the groups gnomAD compares: African/African-American, 0.011%; no homozygotes.

Submissions (2):

Labcorp Genetics (formerly Invitae), Labcorp
Classification: Uncertain significance. Last evaluated: 2025-06-22. Review status: criteria provided, single submitter. Criteria: Invitae Variant Classification Sherloc (09022015). Collection method: clinical testing. Allele origin: germline.
Comment: This sequence change replaces serine, which is neutral and polar, with glycine, which is neutral and non-polar, at codon 4157 of the HMCN1 protein (p.Ser4157Gly). This variant is present in population databases (rs752959772, gnomAD 0.01%). This variant has not been reported in the literature in individuals affected with HMCN1-related conditions. ClinVar contains an entry for this variant (Variation ID: 3858095). An algorithm developed to predict the effect of missense changes on protein structure and function (PolyPhen-2) suggests that this variant is likely to be tolerated. In summary, the available evidence is currently insufficient to determine the role of this variant in disease. Therefore, it has been classified as a Variant of Uncertain Significance.

Ambry Genetics
Classification: Uncertain significance. Last evaluated: 2025-03-03. Review status: criteria provided, single submitter. Criteria: Ambry Variant Classification Scheme 2023. Collection method: clinical testing. Allele origin: germline.